The following is an entry in ClinVar:

ClinVar aggregate classification (germline): Conflicting classifications of pathogenicity. Review status: criteria provided, conflicting classifications (1 of 4 stars). 6 submissions from 6 submitters: Uncertain significance (2); Likely benign (3). 1 of the submissions does not count toward it. Last evaluated 2024-09-04.

Conditions:
WDPCP-related disorder. Also called: WDPCP-related condition.
Bardet-Biedl syndrome (BBS). Identifiers: Orphanet 110, MedGen C0752166, MONDO:0015229.
Bardet-Biedl syndrome 15 (BBS15). Identifiers: Orphanet 110, MedGen C3150127, MONDO:0014443, OMIM 615992.
Heart defect - tongue hamartoma - polysyndactyly syndrome. Also called: Congenital heart defects, hamartomas of tongue, and polysyndactyly. Identifiers: Orphanet 1338, MedGen C1857587, MONDO:0009008, OMIM 217085.

Allele frequency attached by ClinVar (database versions not stated): gnomAD 0.00004 and 0.00005; ExAC 0.00005; TOPMed 0.00005; gnomAD exomes 0.00006 and 0.00007; 1000 Genomes Project 30x 0.00031; 1000 Genomes Project 0.00040.
gnomAD v4.1: 104 of 1,613,120 alleles (0.0064%); highest among the groups gnomAD compares: Middle Eastern, 0.033%; no homozygotes.

Submissions (6):

Blueprint Genetics
Classification: Likely benign. Last evaluated: 2024-09-04. Review status: criteria provided, single submitter. Criteria: ACMG Guidelines, 2015. Collection method: clinical testing. Allele origin: germline.

Fulgent Genetics
Classification: Likely benign for Heart defect - tongue hamartoma - polysyndactyly syndrome; Bardet-Biedl syndrome 15. Last evaluated: 2024-06-13. Review status: criteria provided, single submitter. Criteria: ACMG Guidelines, 2015. Collection method: clinical testing. Allele origin: germline.

CeGaT Center for Human Genetics Tuebingen
Classification: Likely benign. Last evaluated: 2023-04-01. Review status: criteria provided, single submitter. Criteria: CeGaT Center For Human Genetics Tuebingen Variant Classification Criteria Version 2. Collection method: clinical testing. Allele origin: germline. Affected: yes. Observed: 1 variant allele.
Comment: WDPCP: BP4, BP7

Labcorp Genetics (formerly Invitae), Labcorp
Classification: Uncertain significance for Bardet-Biedl syndrome. Last evaluated: 2022-02-24. Review status: criteria provided, single submitter. Criteria: Invitae Variant Classification Sherloc (09022015). Collection method: clinical testing. Allele origin: germline.
Comment: This sequence change affects codon 53 of the WDPCP mRNA. It is a 'silent' change, meaning that it does not change the encoded amino acid sequence of the WDPCP protein. It affects a nucleotide within the consensus splice site. This variant is present in population databases (rs192196713, gnomAD 0.01%). This variant has not been reported in the literature in individuals affected with WDPCP-related conditions. ClinVar contains an entry for this variant (Variation ID: 531833). Algorithms developed to predict the effect of sequence changes on RNA splicing suggest that this variant is not likely to affect RNA splicing. In summary, the available evidence is currently insufficient to determine the role of this variant in disease. Therefore, it has been classified as a Variant of Uncertain Significance.

Illumina Laboratory Services, Illumina
Classification: Uncertain significance for Bardet-Biedl syndrome 15. Last evaluated: 2018-01-13. Review status: criteria provided, single submitter. Criteria: ICSL Variant Classification Criteria 13 December 2019. Collection method: clinical testing. Allele origin: germline.

PreventionGenetics, part of Exact Sciences
Classification: Likely benign for WDPCP-related condition. Last evaluated: 2020-10-26. Review status: no assertion criteria provided. Collection method: clinical testing. Allele origin: germline. Not counted in ClinVar's aggregate classification.
Comment: This variant is classified as likely benign based on ACMG/AMP sequence variant interpretation guidelines (Richards et al. 2015 PMID: 25741868, with internal and published modifications).

NM_015910.7(WDPCP):c.159G>A (p.Ala53=)

Gene: WDPCP (WD repeat containing planar cell polarity effector; minus strand). Cytogenetic location: 2p15.
Variant type: single nucleotide variant.
Coding change: c.159G>A on transcript NM_015910.7 (MANE Select); coding-DNA position 159, G replaced by A.
Protein change: p.Ala53=; no amino-acid change (alanine 53 retained).
Molecular consequence: synonymous variant. On other transcripts: non-coding transcript variant (2).
Genome position (GRCh38, 1-based): chr2:63,492,857, C>T on the plus strand (G>A on the coding strand, the complement: WDPCP is on the minus strand). VCF-style: chr2-63492857-C-T. GRCh37 (hg19) VCF-style: chr2-63719991-C-T.
Other names: c.87G>A, p.Ala29= (NM_001354044.2); c.159G>A, p.Ala53= (NM_001354045.2).
Identifiers: ClinVar variation 531833 (VCV000531833.36), dbSNP rs192196713, ClinGen allele CA1682606.
Genomic context (GRCh38, chr2:63,492,857, plus strand): 5'-TTATTTATAATGGTGTAACATATTTGAAAAATATTGAAATTAATCCAGAGCTCATTTACC[C>T]GCAATGTGTAAGGTATTCTTCAAAGACCACAGGTGCAGTTCAGTCAAGCAGAAAGACATC-3'
Protein context (NP_056994.3, residues 43-63): LWSLKNTLHI[Ala53=]DRDIGIYQYY